The following is an entry in ClinVar:

ClinVar aggregate classification (germline): Pathogenic (1 of 4 stars; one submission).

Conditions:
Hereditary cancer-predisposing syndrome. Also called: Hereditary Cancer Syndrome; Hereditary neoplastic syndrome; Neoplastic Syndromes, Hereditary; Tumor predisposition. Identifiers: Orphanet 140162, MedGen C0027672, MeSH D009386, MONDO:0015356.

Submission:

Ambry Genetics
Classification: Pathogenic for Hereditary cancer-predisposing syndrome. Last evaluated: 2021-11-12. Review status: criteria provided, single submitter. Criteria: Ambry Variant Classification Scheme 2023. Collection method: clinical testing. Allele origin: germline.
Comment: The c.571_572delCT variant, located in coding exon 3 of the CHEK2 gene, results from a deletion of two nucleotides at nucleotide positions 571 to 572, causing a translational frameshift with a predicted alternate stop codon (p.L191Vfs*6). This variant is considered to be rare based on population cohorts in the Genome Aggregation Database (gnomAD). This alteration is expected to result in loss of function by premature protein truncation or nonsense-mediated mRNA decay. As such, this alteration is interpreted as a disease-causing mutation.

NM_007194.4(CHEK2):c.571_572del (p.Leu191fs)

Gene: CHEK2 (checkpoint kinase 2; minus strand). Cytogenetic location: 22q12.1.
Variant type: Deletion.
Coding change: c.571_572del on transcript NM_007194.4 (MANE Select); coding-DNA positions 571 to 572, 2 bases deleted (CT; older notation c.571_572delCT).
Protein change: p.Leu191fs; shifts the reading frame from leucine 191.
Molecular consequence: frameshift variant. On other transcripts: 5 prime UTR variant (2), intron variant (1).
Genome position (GRCh38, 1-based): chr22:28,724,997-28,724,998, AG deleted on the plus strand (CT on the coding strand, the reverse complement: CHEK2 is on the minus strand). VCF-style (leftmost placement, unchanged base first): chr22-28724996-CAG-C. GRCh37 (hg19) VCF-style: chr22-29120984-CAG-C.
Other names: c.700_701del, p.Leu234fs (NM_001005735.3, NM_001438294.1); c.-207_-206del (NM_001257387.3); c.-93_-92del (NM_001437942.1); c.664_665del, p.Leu222fs (NM_001438293.1, NM_001438295.1); c.571_572del, p.Leu191fs (NM_145862.3); c.445-75_445-74del (NM_001349956.3); short protein forms L191fs, L234fs, L222fs.
Identifiers: ClinVar variation 1749233 (VCV001749233.2), dbSNP rs2518050680, ClinGen allele CA2580099411.